The following is an entry in ClinVar:

ClinVar aggregate classification (germline): Uncertain significance (1 of 4 stars; one submission).

Submission:

Labcorp Genetics (formerly Invitae), Labcorp
Classification: Uncertain significance. Last evaluated: 2021-01-26. Review status: criteria provided, single submitter. Criteria: Invitae Variant Classification Sherloc (09022015). Collection method: clinical testing. Allele origin: germline.
Comment: This sequence change replaces glutamine with histidine at codon 1981 of the UNC80 protein (p.Gln1981His). The glutamine residue is moderately conserved and there is a small physicochemical difference between glutamine and histidine. This variant is not present in population databases (ExAC no frequency). This variant has not been reported in the literature in individuals with UNC80-related conditions. Algorithms developed to predict the effect of missense changes on protein structure and function are either unavailable or do not agree on the potential impact of this missense change (SIFT: "Not Available"; PolyPhen-2: "Probably Damaging"; Align-GVGD: "Not Available"). In summary, the available evidence is currently insufficient to determine the role of this variant in disease. Therefore, it has been classified as a Variant of Uncertain Significance.

NM_001371986.1(UNC80):c.6141G>T (p.Gln2047His)

Gene: UNC80 (unc-80 subunit of NALCN channel complex; plus strand). Cytogenetic location: 2q34.
Variant type: single nucleotide variant.
Coding change: c.6141G>T on transcript NM_001371986.1 (MANE Select); coding-DNA position 6141, G replaced by T.
Protein change: p.Gln2047His; replaces glutamine 2047 with histidine.
Molecular consequence: missense variant.
Genome position (GRCh38, 1-based): chr2:209,933,968, G>T. VCF-style: chr2-209933968-G-T. GRCh37 (hg19) VCF-style: chr2-210798692-G-T.
Other names: c.5943G>T, p.Gln1981His (NM_032504.2); c.5928G>T, p.Gln1976His (NM_182587.4); short protein forms Q1976H, Q1981H, Q2047H.
Identifiers: ClinVar variation 1518565 (VCV001518565.6), dbSNP rs2124969737, ClinGen allele CA350769210.